The following is an entry in ClinVar:

NM_001164496.2(CFAP44):c.1449T>C (p.Tyr483=)

Genes: CFAP44 (cilia and flagella associated protein 44; minus strand), SPICE1-CFAP44 (SPICE1-CFAP44 readthrough (NMD candidate); minus strand). Cytogenetic location: 3q13.2.
Variant type: single nucleotide variant.
Coding change: c.1449T>C on transcript NM_001164496.2 (MANE Select); coding-DNA position 1449, T replaced by C.
Protein change: p.Tyr483=; no amino-acid change (tyrosine 483 retained).
Molecular consequence: synonymous variant.
Genome position (GRCh38, 1-based): chr3:113,400,570, A>G on the plus strand (T>C on the coding strand, the complement: CFAP44 is on the minus strand). VCF-style: chr3-113400570-A-G. GRCh37 (hg19) VCF-style: chr3-113119417-A-G.
Other names: c.1449T>C, p.Tyr483= (NM_018338.3).
Identifiers: ClinVar variation 731900 (VCV000731900.6), dbSNP rs73237120, ClinGen allele CA2544174.

ClinVar aggregate classification (germline): Likely benign. Review status: criteria provided, multiple submitters, no conflicts (2 of 4 stars). 3 submissions from 3 submitters: Likely benign (3). Last evaluated 2026-05-01.

Allele frequency attached by ClinVar (database versions not stated): ExAC 0.00036; gnomAD exomes 0.00037 and 0.00065; 1000 Genomes Project 0.00040; gnomAD 0.00041; TOPMed 0.00045; 1000 Genomes Project 30x 0.00047; ESP Exome Variant Server 0.00077.
gnomAD v4.1: 1,001 of 1,609,834 alleles (0.062%); highest among the groups gnomAD compares: Non-Finnish European, 0.08%; no homozygotes.

Submissions (3):

CeGaT Center for Human Genetics Tuebingen
Classification: Likely benign. Last evaluated: 2026-05-01. Review status: criteria provided, single submitter. Criteria: CeGaT Center For Human Genetics Tuebingen Variant Classification Criteria Version 2. Collection method: clinical testing. Allele origin: germline. Affected: yes. Observed: 1 variant allele.
Comment: CFAP44: BP4, BP7

Labcorp Genetics (formerly Invitae), Labcorp
Classification: Likely benign. Last evaluated: 2018-07-11. Review status: criteria provided, single submitter. Criteria: Invitae Variant Classification Sherloc (09022015). Collection method: clinical testing. Allele origin: germline.

Breakthrough Genomics
Classification: Likely benign. Review status: criteria provided, single submitter. Criteria: ACMG Guidelines, 2015. Collection method: not provided. Allele origin: germline. Inheritance: Autosomal recessive inheritance. Affected: yes.